The following is an entry in ClinVar:

NM_001365536.1(SCN9A):c.4964T>G (p.Met1655Arg)

Genes: SCN1A-AS1 (SCN1A and SCN9A antisense RNA 1; plus strand), SCN9A (sodium voltage-gated channel alpha subunit 9; minus strand). Cytogenetic location: 2q24.3.
Variant type: single nucleotide variant.
Coding change: c.4964T>G on transcript NM_001365536.1 (MANE Select); coding-DNA position 4964, T replaced by G.
Protein change: p.Met1655Arg; replaces methionine 1655 with arginine.
Molecular consequence: missense variant. On other transcripts: non-coding transcript variant (1).
Genome position (GRCh38, 1-based): chr2:166,199,675, A>C on the plus strand (T>G on the coding strand, the complement: SCN9A is on the minus strand). VCF-style: chr2-166199675-A-C. GRCh37 (hg19) VCF-style: chr2-167056185-A-C.
Other names: c.4931T>G, p.Met1644Arg (NM_002977.4); short protein forms M1644R, M1655R.
Identifiers: ClinVar variation 2922093 (VCV002922093.3), dbSNP rs2468878580, ClinGen allele CA349055029.
Genomic context (GRCh38, chr2:166,199,675, plus strand): 5'-ATTCCATCTTCCTTTTTAACATAGGCAAAGTTGGACATTCCAAAGATGGCGTAGATGAAC[A>C]TGACCAGGAAGAGCAGGAGGCCGATGTTAAACAACGCAGGAAGGGACATCATCAAAGCAA-3'
Protein context (NP_001352465.1, residues 1645-1665): FNIGLLLFLV[Met1655Arg]FIYAIFGMSN

ClinVar aggregate classification (germline): Uncertain significance (1 of 4 stars; one submission).

Conditions:
Neuropathy, hereditary sensory and autonomic, type 2A (HSAN2A). Also called: ACROOSTEOLYSIS, GIACCAI TYPE; HSAN IIA; MORVAN DISEASE; NEUROPATHY, CONGENITAL SENSORY; NEUROPATHY, HEREDITARY SENSORY RADICULAR, AUTOSOMAL RECESSIVE; NEUROPATHY, HEREDITARY SENSORY, TYPE IIA. Identifiers: Orphanet 970, MedGen C2752089, MONDO:0024309, OMIM 201300.
Generalized epilepsy with febrile seizures plus, type 7 (GEFSP7). Also called: GEFS+, TYPE 7. Identifiers: Orphanet 36387, MedGen C2751778, MONDO:0013470, OMIM 613863.

Submission:

Labcorp Genetics (formerly Invitae), Labcorp
Classification: Uncertain significance for Neuropathy, hereditary sensory and autonomic, type 2A; Generalized epilepsy with febrile seizures plus, type 7. Last evaluated: 2024-01-31. Review status: criteria provided, single submitter. Criteria: Invitae Variant Classification Sherloc (09022015). Collection method: clinical testing. Allele origin: germline.
Comment: This sequence change replaces methionine, which is neutral and non-polar, with arginine, which is basic and polar, at codon 1644 of the SCN9A protein (p.Met1644Arg). This variant is not present in population databases (gnomAD no frequency). This variant has not been reported in the literature in individuals affected with SCN9A-related conditions. Advanced modeling of protein sequence and biophysical properties (such as structural, functional, and spatial information, amino acid conservation, physicochemical variation, residue mobility, and thermodynamic stability) has been performed at Invitae for this missense variant, however the output from this modeling did not meet the statistical confidence thresholds required to predict the impact of this variant on SCN9A protein function. In summary, the available evidence is currently insufficient to determine the role of this variant in disease. Therefore, it has been classified as a Variant of Uncertain Significance.